The following is an entry in ClinVar:

ClinVar aggregate classification (germline): Uncertain significance (1 of 4 stars; one submission).

gnomAD v4.1: 2 of 1,563,940 alleles (0.00013%); highest among the groups gnomAD compares: Admixed American, 0.0038%; no homozygotes.

Submission:

Labcorp Genetics (formerly Invitae), Labcorp
Classification: Uncertain significance. Last evaluated: 2024-09-27. Review status: criteria provided, single submitter. Criteria: Invitae Variant Classification Sherloc (09022015). Collection method: clinical testing. Allele origin: germline.
Comment: This sequence change replaces leucine, which is neutral and non-polar, with proline, which is neutral and non-polar, at codon 20 of the DUOX2 protein (p.Leu20Pro). The frequency data for this variant in the population databases is considered unreliable, as metrics indicate poor data quality at this position in the gnomAD database. This variant has not been reported in the literature in individuals affected with DUOX2-related conditions. Invitae Evidence Modeling of protein sequence and biophysical properties (such as structural, functional, and spatial information, amino acid conservation, physicochemical variation, residue mobility, and thermodynamic stability) indicates that this missense variant is not expected to disrupt DUOX2 protein function with a negative predictive value of 95%. In summary, the available evidence is currently insufficient to determine the role of this variant in disease. Therefore, it has been classified as a Variant of Uncertain Significance.

NM_001363711.2(DUOX2):c.59T>C (p.Leu20Pro)

Gene: DUOX2 (dual oxidase 2; minus strand). Cytogenetic location: 15q21.1.
Variant type: single nucleotide variant.
Coding change: c.59T>C on transcript NM_001363711.2 (MANE Select); coding-DNA position 59, T replaced by C.
Protein change: p.Leu20Pro; replaces leucine 20 with proline.
Molecular consequence: missense variant.
Genome position (GRCh38, 1-based): chr15:45,113,353, A>G on the plus strand (T>C on the coding strand, the complement: DUOX2 is on the minus strand). VCF-style: chr15-45113353-A-G. GRCh37 (hg19) VCF-style: chr15-45405551-A-G.
Other names: c.59T>C, p.Leu20Pro (NM_014080.5); short protein forms L20P.
Identifiers: ClinVar variation 3619184 (VCV003619184.2).